The following is an entry in ClinVar:

NM_199355.4(ADAMTS18):c.41C>T (p.Ala14Val)

Gene: ADAMTS18 (ADAM metallopeptidase with thrombospondin type 1 motif 18; minus strand). Cytogenetic location: 16q23.1.
Variant type: single nucleotide variant.
Coding change: c.41C>T on transcript NM_199355.4 (MANE Select); coding-DNA position 41, C replaced by T.
Protein change: p.Ala14Val; replaces alanine 14 with valine.
Molecular consequence: missense variant. On other transcripts: 5 prime UTR variant (1).
Genome position (GRCh38, 1-based): chr16:77,434,655, G>A on the plus strand (C>T on the coding strand, the complement: ADAMTS18 is on the minus strand). VCF-style: chr16-77434655-G-A. GRCh37 (hg19) VCF-style: chr16-77468552-G-A.
Other names: c.-480C>T (NM_001326358.2); short protein forms A14V.
Identifiers: ClinVar variation 1463979 (VCV001463979.6), dbSNP rs1245196054, ClinGen allele CA396851949.

ClinVar aggregate classification (germline): Uncertain significance (1 of 4 stars; one submission).

Allele frequency attached by ClinVar (database versions not stated): TOPMed 0.00002.
gnomAD v4.1: 3 of 1,479,678 alleles (0.0002%); highest among the groups gnomAD compares: African/African-American, 0.0044%; no homozygotes.

Submission:

Labcorp Genetics (formerly Invitae), Labcorp
Classification: Uncertain significance. Last evaluated: 2022-05-11. Review status: criteria provided, single submitter. Criteria: Invitae Variant Classification Sherloc (09022015). Collection method: clinical testing. Allele origin: germline.
Comment: Algorithms developed to predict the effect of missense changes on protein structure and function are either unavailable or do not agree on the potential impact of this missense change (SIFT: "Not Available"; PolyPhen-2: "Benign"; Align-GVGD: "Not Available"). This sequence change replaces alanine, which is neutral and non-polar, with valine, which is neutral and non-polar, at codon 14 of the ADAMTS18 protein (p.Ala14Val). This variant is present in population databases (no rsID available, gnomAD 0.01%). This variant has not been reported in the literature in individuals affected with ADAMTS18-related conditions. Algorithms developed to predict the effect of sequence changes on RNA splicing suggest that this variant may create or strengthen a splice site. In summary, the available evidence is currently insufficient to determine the role of this variant in disease. Therefore, it has been classified as a Variant of Uncertain Significance.